The following is an entry in ClinVar:

ClinVar aggregate classification (germline): Uncertain significance (1 of 4 stars; one submission).

Conditions:
Emery-Dreifuss muscular dystrophy 4, autosomal dominant (EDMD4). Also called: EMERY-DREIFUSS MUSCULAR DYSTROPHY 4 WITH VARIABLE FEATURES. Identifiers: Orphanet 261, MedGen C2751807, MONDO:0013071, OMIM 612998.
Autosomal recessive ataxia, Beauce type. Also called: SYNE1-Related Autosomal Recessive Cerebellar Ataxia; SYNE1 Deficiency; Spinocerebellar ataxia, autosomal recessive 8; ATAXIA, RECESSIVE, OF BEAUCE. Identifiers: Orphanet 88644, MedGen C1853116, MONDO:0012549, OMIM 610743.

Allele frequency attached by ClinVar (database versions not stated): ESP Exome Variant Server 0.00008; gnomAD exomes below 0.00001; gnomAD 0.00001; TOPMed 0.00002.
gnomAD v4.1: 3 of 1,613,952 alleles (0.00019%); highest among the groups gnomAD compares: African/African-American, 0.0027%; no homozygotes.

Submission:

Labcorp Genetics (formerly Invitae), Labcorp
Classification: Uncertain significance for Emery-Dreifuss muscular dystrophy 4, autosomal dominant; Autosomal recessive ataxia, Beauce type. Last evaluated: 2023-06-20. Review status: criteria provided, single submitter. Criteria: Invitae Variant Classification Sherloc (09022015). Collection method: clinical testing. Allele origin: germline.
Comment: This sequence change replaces isoleucine, which is neutral and non-polar, with valine, which is neutral and non-polar, at codon 6503 of the SYNE1 protein (p.Ile6503Val). This variant is present in population databases (rs372905952, gnomAD 0.007%). This variant has not been reported in the literature in individuals affected with SYNE1-related conditions. An algorithm developed to predict the effect of missense changes on protein structure and function (PolyPhen-2) suggests that this variant is likely to be tolerated. In summary, the available evidence is currently insufficient to determine the role of this variant in disease. Therefore, it has been classified as a Variant of Uncertain Significance.

NM_182961.4(SYNE1):c.19720A>G (p.Ile6574Val)

Gene: SYNE1 (spectrin repeat containing nuclear envelope protein 1; minus strand). Cytogenetic location: 6q25.2.
Variant type: single nucleotide variant.
Coding change: c.19720A>G on transcript NM_182961.4 (MANE Select); coding-DNA position 19720, A replaced by G.
Protein change: p.Ile6574Val; replaces isoleucine 6574 with valine.
Molecular consequence: missense variant.
Genome position (GRCh38, 1-based): chr6:152,242,413, T>C on the plus strand (A>G on the coding strand, the complement: SYNE1 is on the minus strand). VCF-style: chr6-152242413-T-C. GRCh37 (hg19) VCF-style: chr6-152563548-T-C.
Other names: c.19507A>G, p.Ile6503Val (NM_033071.5); short protein forms I6574V, I6503V.
Identifiers: ClinVar variation 2924461 (VCV002924461.3), dbSNP rs372905952, ClinGen allele CA150196622.